The following is an entry in ClinVar:

NM_001127198.5(TMC6):c.352G>A (p.Gly118Arg)

Gene: TMC6 (transmembrane channel like 6; minus strand). Cytogenetic location: 17q25.3.
Variant type: single nucleotide variant.
Coding change: c.352G>A on transcript NM_001127198.5 (MANE Select); coding-DNA position 352, G replaced by A.
Protein change: p.Gly118Arg; replaces glycine 118 with arginine.
Molecular consequence: missense variant.
Genome position (GRCh38, 1-based): chr17:78,125,804, C>T on the plus strand (G>A on the coding strand, the complement: TMC6 is on the minus strand). VCF-style: chr17-78125804-C-T. GRCh37 (hg19) VCF-style: chr17-76121885-C-T.
Other names: c.352G>A, p.Gly118Arg (NM_001321185.1, NM_001374593.1, NM_001374594.1 and 4 more transcripts); short protein forms G118R.
Identifiers: ClinVar variation 963546 (VCV000963546.5), dbSNP rs762117152, ClinGen allele CA8796154.
Genomic context (GRCh38, chr17:78,125,804, plus strand): 5'-TGGGGTCCAGCTCCAGGTCGTACAGGCGGAGGCTGGGCCAGGCGGAGCGGACAAAGTTCC[C>T]GAGCAGGGGCCGGCTGCTCCTGCACCGAAGCTGCACCGTGCGGTTGTAGTACTGGGAGAT-3'
Protein context (NP_001120670.1, residues 108-128): LRCRSSRPLL[Gly118Arg]NFVRSAWPSL

ClinVar aggregate classification (germline): Uncertain significance (1 of 4 stars; one submission).

Conditions:
Epidermodysplasia verruciformis. Identifiers: Orphanet 302, MedGen C0014522, MONDO:0009176.

Allele frequency attached by ClinVar (database versions not stated): ExAC 0.00009; gnomAD exomes 0.00004; gnomAD 0.00001; TOPMed 0.00001.
gnomAD v4.1: 20 of 1,558,982 alleles (0.0013%); highest among the groups gnomAD compares: Middle Eastern, 0.05%; no homozygotes.

Submission:

Labcorp Genetics (formerly Invitae), Labcorp
Classification: Uncertain significance for Epidermodysplasia verruciformis. Last evaluated: 2022-03-10. Review status: criteria provided, single submitter. Criteria: Invitae Variant Classification Sherloc (09022015). Collection method: clinical testing. Allele origin: germline.
Comment: This sequence change replaces glycine, which is neutral and non-polar, with arginine, which is basic and polar, at codon 118 of the TMC6 protein (p.Gly118Arg). The frequency data for this variant in the population databases is considered unreliable, as metrics indicate poor data quality at this position in the gnomAD database. This variant has not been reported in the literature in individuals affected with TMC6-related conditions. ClinVar contains an entry for this variant (Variation ID: 963546). Algorithms developed to predict the effect of missense changes on protein structure and function output the following: SIFT: "Not Available"; PolyPhen-2: "Benign"; Align-GVGD: "Not Available". The arginine amino acid residue is found in multiple mammalian species, which suggests that this missense change does not adversely affect protein function. Algorithms developed to predict the effect of sequence changes on RNA splicing suggest that this variant may create or strengthen a splice site. In summary, the available evidence is currently insufficient to determine the role of this variant in disease. Therefore, it has been classified as a Variant of Uncertain Significance.